The following is an entry in ClinVar:

ClinVar aggregate classification (germline): Likely benign (1 of 4 stars; one submission).

Submission:

CeGaT Center for Human Genetics Tuebingen
Classification: Likely benign. Last evaluated: 2025-11-01. Review status: criteria provided, single submitter. Criteria: CeGaT Center For Human Genetics Tuebingen Variant Classification Criteria Version 2. Collection method: clinical testing. Allele origin: germline. Affected: yes. Observed: 1 variant allele.
Comment: CIC: PM2:Supporting, BP4, BP7

NM_001386298.1(CIC):c.5202A>C (p.Val1734=)

Gene: CIC (capicua transcriptional repressor; plus strand). Cytogenetic location: 19q13.2.
Variant type: single nucleotide variant.
Coding change: c.5202A>C on transcript NM_001386298.1 (MANE Select); coding-DNA position 5202, A replaced by C.
Protein change: p.Val1734=; no amino-acid change (valine 1734 retained).
Molecular consequence: synonymous variant.
Genome position (GRCh38, 1-based): chr19:42,291,243, A>C. VCF-style: chr19-42291243-A-C. GRCh37 (hg19) VCF-style: chr19-42795395-A-C.
Other names: c.5202A>C, p.Val1734= (NM_001304815.2, NM_001379480.1, NM_001379482.1 and 6 more transcripts); c.2475A>C, p.Val825= (NM_001379484.1, NM_001379485.1, NM_001439189.1 and 3 more transcripts).
Identifiers: ClinVar variation 4535276 (VCV004535276.6).